The following is an entry in ClinVar:

NM_001197104.2(KMT2A):c.325G>A (p.Gly109Ser)

Gene: KMT2A (lysine methyltransferase 2A; plus strand). Cytogenetic location: 11q23.3.
Variant type: single nucleotide variant.
Coding change: c.325G>A on transcript NM_001197104.2 (MANE Select); coding-DNA position 325, G replaced by A.
Protein change: p.Gly109Ser; replaces glycine 109 with serine.
Molecular consequence: missense variant.
Genome position (GRCh38, 1-based): chr11:118,436,837, G>A. VCF-style: chr11-118436837-G-A. GRCh37 (hg19) VCF-style: chr11-118307552-G-A.
Other names: c.325G>A, p.Gly109Ser (NM_001412597.1, NM_005933.4); short protein forms G109S.
Identifiers: ClinVar variation 3634296 (VCV003634296.2).

ClinVar aggregate classification (germline): Uncertain significance (1 of 4 stars; one submission).

gnomAD v4.1: 2 of 1,606,190 alleles (0.00012%); highest among the groups gnomAD compares: Non-Finnish European, 0.000085%; no homozygotes.

Submission:

Labcorp Genetics (formerly Invitae), Labcorp
Classification: Uncertain significance. Last evaluated: 2024-09-25. Review status: criteria provided, single submitter. Criteria: Invitae Variant Classification Sherloc (09022015). Collection method: clinical testing. Allele origin: germline.
Comment: This sequence change replaces glycine, which is neutral and non-polar, with serine, which is neutral and polar, at codon 109 of the KMT2A protein (p.Gly109Ser). This variant is not present in population databases (gnomAD no frequency). This variant has not been reported in the literature in individuals affected with KMT2A-related conditions. Invitae Evidence Modeling of protein sequence and biophysical properties (such as structural, functional, and spatial information, amino acid conservation, physicochemical variation, residue mobility, and thermodynamic stability) has been performed for this missense variant. However, the output from this modeling did not meet the statistical confidence thresholds required to predict the impact of this variant on KMT2A protein function. In summary, the available evidence is currently insufficient to determine the role of this variant in disease. Therefore, it has been classified as a Variant of Uncertain Significance.